The following is an entry in ClinVar:

ClinVar aggregate classification (germline): Benign. Review status: criteria provided, multiple submitters, no conflicts (2 of 4 stars). 8 submissions from 8 submitters: Benign (8). Last evaluated 2026-09-01.

Conditions:
Nemaline myopathy 8 (NEM8). Also called: Nemaline myopathy 8, autosomal recessive. Identifiers: Orphanet 171430, MedGen C3809209, MONDO:0014138, OMIM 615348.

Allele frequency attached by ClinVar (database versions not stated): 1000 Genomes Project 0.00459; 1000 Genomes Project 30x 0.00531; gnomAD exomes 0.00627; TOPMed 0.00629; gnomAD 0.00633 and 0.00642; ExAC 0.00698; ESP Exome Variant Server 0.00777.

Submissions (8):

CeGaT Center for Human Genetics Tuebingen
Classification: Benign. Last evaluated: 2026-09-01. Review status: criteria provided, single submitter. Criteria: CeGaT Center For Human Genetics Tuebingen Variant Classification Criteria Version 2. Collection method: clinical testing. Allele origin: germline. Affected: yes. Observed: 14 variant alleles.
Comment: KLHL40: BP4, BS1, BS2

Labcorp Genetics (formerly Invitae), Labcorp
Classification: Benign for Nemaline myopathy 8. Last evaluated: 2026-02-01. Review status: criteria provided, single submitter. Criteria: Invitae Variant Classification Sherloc (09022015). Collection method: clinical testing. Allele origin: germline.

Mayo Clinic Laboratories, Mayo Clinic
Classification: Benign. Last evaluated: 2023-07-06. Review status: criteria provided, single submitter. Criteria: ACMG Guidelines, 2015. Collection method: clinical testing. Allele origin: germline. Observed: 9 variant alleles.

Athena Diagnostics
Classification: Benign. Last evaluated: 2019-05-07. Review status: criteria provided, single submitter. Criteria: Athena Diagnostics Criteria. Collection method: clinical testing. Allele origin: germline.

Genetic Services Laboratory, University of Chicago
Classification: Benign. Last evaluated: 2017-09-25. Review status: criteria provided, single submitter. Criteria: ACMG Guidelines, 2015. Collection method: clinical testing. Allele origin: germline. Affected: no.

GeneDx
Classification: Benign. Last evaluated: 2016-08-26. Review status: criteria provided, single submitter. Criteria: GeneDx Variant Classification (06012015). Collection method: clinical testing. Allele origin: germline. Affected: yes.
Comment: This variant is considered likely benign or benign based on one or more of the following criteria: it is a conservative change, it occurs at a poorly conserved position in the protein, it is predicted to be benign by multiple in silico algorithms, and/or has population frequency not consistent with disease.

Breakthrough Genomics
Classification: Benign. Review status: criteria provided, single submitter. Criteria: ACMG Guidelines, 2015. Collection method: not provided. Allele origin: germline. Inheritance: Autosomal recessive inheritance. Affected: yes.

PreventionGenetics, part of Exact Sciences
Classification: Benign. Review status: criteria provided, single submitter. Criteria: ACMG Guidelines, 2015. Collection method: clinical testing. Allele origin: germline.

NM_152393.4(KLHL40):c.1104C>T (p.Phe368=)

Gene: KLHL40 (kelch like family member 40; plus strand). Cytogenetic location: 3p22.1.
Variant type: single nucleotide variant.
Coding change: c.1104C>T on transcript NM_152393.4 (MANE Select); coding-DNA position 1104, C replaced by T.
Protein change: p.Phe368=; no amino-acid change (phenylalanine 368 retained).
Molecular consequence: synonymous variant.
Genome position (GRCh38, 1-based): chr3:42,686,722, C>T. VCF-style: chr3-42686722-C-T. GRCh37 (hg19) VCF-style: chr3-42728214-C-T.
Other names: p.Phe368=.
Identifiers: ClinVar variation 262640 (VCV000262640.48), dbSNP rs147863385, ClinGen allele CA2336800.